The following is an entry in ClinVar:

ClinVar aggregate classification (germline): Likely benign (1 of 4 stars; one submission).

gnomAD v4.1: 4 of 1,478,534 alleles (0.00027%); highest among the groups gnomAD compares: African/African-American, 0.0016%; no homozygotes.

Submission:

CeGaT Center for Human Genetics Tuebingen
Classification: Likely benign. Last evaluated: 2025-02-01. Review status: criteria provided, single submitter. Criteria: CeGaT Center For Human Genetics Tuebingen Variant Classification Criteria Version 2. Collection method: clinical testing. Allele origin: germline. Affected: yes. Observed: 1 variant allele.
Comment: MUC22: BP4, BP7

NM_001395414.1(MUC22):c.1305A>G (p.Glu435=)

Gene: MUC22 (mucin 22; plus strand). Cytogenetic location: 6p21.33.
Variant type: single nucleotide variant.
Coding change: c.1305A>G on transcript NM_001395414.1 (MANE Select); coding-DNA position 1305, A replaced by G.
Protein change: p.Glu435=; no amino-acid change (glutamic acid 435 retained).
Molecular consequence: synonymous variant.
Genome position (GRCh38, 1-based): chr6:31,026,736, A>G. VCF-style: chr6-31026736-A-G. GRCh37 (hg19) VCF-style: chr6-30994513-A-G.
Other names: c.1305A>G, p.Glu435= (NM_001198815.1); c.1314A>G, p.Glu438= (NM_001318484.1).
Identifiers: ClinVar variation 3770554 (VCV003770554.13).